The following is an entry in ClinVar:

NM_013275.6(ANKRD11):c.6841C>A (p.Gln2281Lys)

Gene: ANKRD11 (ankyrin repeat domain 11; minus strand). Cytogenetic location: 16q24.3.
Variant type: single nucleotide variant.
Coding change: c.6841C>A on transcript NM_013275.6 (MANE Select); coding-DNA position 6841, C replaced by A.
Protein change: p.Gln2281Lys; replaces glutamine 2281 with lysine.
Molecular consequence: missense variant.
Genome position (GRCh38, 1-based): chr16:89,279,701, G>T on the plus strand (C>A on the coding strand, the complement: ANKRD11 is on the minus strand). VCF-style: chr16-89279701-G-T. GRCh37 (hg19) VCF-style: chr16-89346109-G-T.
Other names: c.6841C>A, p.Gln2281Lys (NM_001256182.2, NM_001256183.2); short protein forms Q2281K.
Identifiers: ClinVar variation 2692707 (VCV002692707.3), dbSNP rs2034001790, ClinGen allele CA397149869.
Genomic context (GRCh38, chr16:89,279,701, plus strand): 5'-CGGCGGCACGGGAGGCCTCAGTGTCGTCCTCGGGGCCGGCACCGTCTGCGGCCTGAGCTT[G>T]TGCCACAGTGTTCGGGGCGGGGCCGTCAGGGGCACAGAGGGACGCGGCGGGGGGGCCTTC-3'
Protein context (NP_037407.4, residues 2271-2291): PDGPAPNTVA[Gln2281Lys]AQAADGAGPE

ClinVar aggregate classification (germline): Uncertain significance (1 of 4 stars; one submission).

Conditions:
KBG syndrome (KBGS). Also called: ANKRD11-Related KBG Syndrome. Identifiers: Orphanet 2332, MedGen C0220687, MONDO:0007846, OMIM 148050.

Submission:

Labcorp Genetics (formerly Invitae), Labcorp
Classification: Uncertain significance for KBG syndrome. Last evaluated: 2023-11-02. Review status: criteria provided, single submitter. Criteria: Invitae Variant Classification Sherloc (09022015). Collection method: clinical testing. Allele origin: germline.
Comment: This sequence change replaces glutamine, which is neutral and polar, with lysine, which is basic and polar, at codon 2281 of the ANKRD11 protein (p.Gln2281Lys). This variant is not present in population databases (gnomAD no frequency). This variant has not been reported in the literature in individuals affected with ANKRD11-related conditions. Advanced modeling of protein sequence and biophysical properties (such as structural, functional, and spatial information, amino acid conservation, physicochemical variation, residue mobility, and thermodynamic stability) performed at Invitae indicates that this missense variant is not expected to disrupt ANKRD11 protein function with a negative predictive value of 95%. In summary, the available evidence is currently insufficient to determine the role of this variant in disease. Therefore, it has been classified as a Variant of Uncertain Significance.